The following is an entry in ClinVar:

ClinVar aggregate classification (germline): Uncertain significance (1 of 4 stars; one submission).

Allele frequency attached by ClinVar (database versions not stated): gnomAD exomes below 0.00001.
gnomAD v4.1: 1 of 1,613,502 alleles (0.000062%); highest among the groups gnomAD compares: Non-Finnish European, 0.000085%; no homozygotes.

Submission:

Labcorp Genetics (formerly Invitae), Labcorp
Classification: Uncertain significance. Last evaluated: 2022-08-07. Review status: criteria provided, single submitter. Criteria: Invitae Variant Classification Sherloc (09022015). Collection method: clinical testing. Allele origin: germline.
Comment: In summary, the available evidence is currently insufficient to determine the role of this variant in disease. Therefore, it has been classified as a Variant of Uncertain Significance. Algorithms developed to predict the effect of missense changes on protein structure and function are either unavailable or do not agree on the potential impact of this missense change (SIFT: "Tolerated"; PolyPhen-2: "Possibly Damaging"; Align-GVGD: "Class C0"). This variant has not been reported in the literature in individuals affected with ATF6-related conditions. This variant is not present in population databases (gnomAD no frequency). This sequence change replaces phenylalanine, which is neutral and non-polar, with serine, which is neutral and polar, at codon 556 of the ATF6 protein (p.Phe556Ser).

NM_007348.4(ATF6):c.1667T>C (p.Phe556Ser)

Gene: ATF6 (activating transcription factor 6; plus strand). Cytogenetic location: 1q23.3.
Variant type: single nucleotide variant.
Coding change: c.1667T>C on transcript NM_007348.4 (MANE Select); coding-DNA position 1667, T replaced by C.
Protein change: p.Phe556Ser; replaces phenylalanine 556 with serine.
Molecular consequence: missense variant.
Genome position (GRCh38, 1-based): chr1:161,863,260, T>C. VCF-style: chr1-161863260-T-C. GRCh37 (hg19) VCF-style: chr1-161833050-T-C.
Other names: c.1664T>C, p.Phe555Ser (NM_001410890.1); short protein forms F555S, F556S.
Identifiers: ClinVar variation 1927048 (VCV001927048.5), dbSNP rs1376372577, ClinGen allele CA343383631.